The following is an entry in ClinVar:

ClinVar aggregate classification (germline): Uncertain significance. Review status: criteria provided, single submitter (1 of 4 stars). 2 submissions from 2 submitters: Uncertain significance (1). 1 of the submissions does not count toward it. Last evaluated 2022-09-01.

Conditions:
TH-deficient dopa-responsive dystonia. Also called: Segawa syndrome, autosomal recessive; Tyrosine Hydroxylase-Deficient Dopa-Responsive Dystonia; DYT-TH. Identifiers: Orphanet 101150, MedGen C2673535, MONDO:0011551, OMIM 605407.

Allele frequency attached by ClinVar (database versions not stated): gnomAD exomes 0.00001; ExAC 0.00004; TOPMed below 0.00001.
gnomAD v4.1: 8 of 1,560,006 alleles (0.00051%); highest among the groups gnomAD compares: Non-Finnish European, 0.00069%; no homozygotes.

Submissions (2):

Labcorp Genetics (formerly Invitae), Labcorp
Classification: Uncertain significance for TH-deficient dopa-responsive dystonia. Last evaluated: 2022-09-01. Review status: criteria provided, single submitter. Criteria: Invitae Variant Classification Sherloc (09022015). Collection method: clinical testing. Allele origin: germline.
Comment: This sequence change replaces serine, which is neutral and polar, with leucine, which is neutral and non-polar, at codon 390 of the TH protein (p.Ser390Leu). The frequency data for this variant in the population databases is considered unreliable, as metrics indicate poor data quality at this position in the gnomAD database. This variant has not been reported in the literature in individuals affected with TH-related conditions. ClinVar contains an entry for this variant (Variation ID: 857331). Algorithms developed to predict the effect of missense changes on protein structure and function (SIFT, PolyPhen-2, Align-GVGD) all suggest that this variant is likely to be disruptive. In summary, the available evidence is currently insufficient to determine the role of this variant in disease. Therefore, it has been classified as a Variant of Uncertain Significance.

Natera, Inc.
Classification: Uncertain significance for Autosomal recessive Segawa syndrome. Last evaluated: 2020-10-14. Review status: no assertion criteria provided. Collection method: clinical testing. Allele origin: germline. Not counted in ClinVar's aggregate classification.

NM_000360.4(TH):c.1076C>T (p.Ser359Leu)

Gene: TH (tyrosine hydroxylase; minus strand). Cytogenetic location: 11p15.5.
Variant type: single nucleotide variant.
Coding change: c.1076C>T on transcript NM_000360.4 (MANE Select); coding-DNA position 1076, C replaced by T.
Protein change: p.Ser359Leu; replaces serine 359 with leucine.
Molecular consequence: missense variant.
Genome position (GRCh38, 1-based): chr11:2,166,030, G>A on the plus strand (C>T on the coding strand, the complement: TH is on the minus strand). VCF-style: chr11-2166030-G-A. GRCh37 (hg19) VCF-style: chr11-2187260-G-A.
Other names: c.1169C>T, p.Ser390Leu (NM_199292.3); c.1157C>T, p.Ser386Leu (NM_199293.3); short protein forms S359L, S390L, S386L.
Identifiers: ClinVar variation 857331 (VCV000857331.4), dbSNP rs765379626, ClinGen allele CA5818392.